The following is an entry in ClinVar:

ClinVar aggregate classification (germline): Conflicting classifications of pathogenicity. Review status: criteria provided, conflicting classifications (1 of 4 stars). 8 submissions from 8 submitters: Pathogenic (1); Likely pathogenic (3); Uncertain significance (2). 2 of the submissions do not count toward it. Last evaluated 2025-10-01.

Conditions:
SH3TC2-related disorder. Also called: SH3TC2-related disorders; SH3TC2-related condition. Identifiers: MedGen CN239303.
Inborn genetic diseases. Identifiers: MedGen C0950123, MeSH D030342.
Charcot-Marie-Tooth disease type 4. Also called: Charcot-Marie-Tooth disease, type IV; Charcot-Marie-Tooth, Type 4. Identifiers: Orphanet 64749, MedGen C4082197, MONDO:0018995.
Charcot-Marie-Tooth disease. Also called: Charcot-Marie-Tooth Neuropathy; Charcot-Marie-Tooth Hereditary Neuropathy. Identifiers: Orphanet 166, MedGen C0007959, MONDO:0015626.

Allele frequency attached by ClinVar (database versions not stated): gnomAD 0.00003; TOPMed 0.00003.
gnomAD v4.1: 67 of 1,614,002 alleles (0.0042%); highest among the groups gnomAD compares: Non-Finnish European, 0.0053%; no homozygotes.

Submissions (8):

Labcorp Genetics (formerly Invitae), Labcorp
Classification: Pathogenic for Charcot-Marie-Tooth disease type 4. Last evaluated: 2025-10-01. Review status: criteria provided, single submitter. Criteria: Invitae Variant Classification Sherloc (09022015). Collection method: clinical testing. Allele origin: germline.
Comment: This sequence change replaces arginine, which is basic and polar, with leucine, which is neutral and non-polar, at codon 1171 of the SH3TC2 protein (p.Arg1171Leu). This variant is present in population databases (rs200728983, gnomAD 0.008%). This missense change has been observed in individual(s) with clinical features of Charcot-Marie-Tooth disease (PMID: 22462672, 32376792; internal data). In at least one individual the data is consistent with being in trans (on the opposite chromosome) from a pathogenic variant. ClinVar contains an entry for this variant (Variation ID: 245766). Invitae Evidence Modeling of protein sequence and biophysical properties (such as structural, functional, and spatial information, amino acid conservation, physicochemical variation, residue mobility, and thermodynamic stability) indicates that this missense variant is not expected to disrupt SH3TC2 protein function with a negative predictive value of 95%. This variant disrupts the p.Arg1171 amino acid residue in SH3TC2. Other variant(s) that disrupt this residue have been determined to be pathogenic (PMID: 3000192, 23466821, 25429913). This suggests that this residue is clinically significant, and that variants that disrupt this residue are likely to be disease-causing. For these reasons, this variant has been classified as Pathogenic.

Mayo Clinic Laboratories, Mayo Clinic
Classification: Uncertain significance. Last evaluated: 2025-08-18. Review status: criteria provided, single submitter. Criteria: ACMG Guidelines, 2015. Collection method: clinical testing. Allele origin: germline. Observed: 1 variant allele.
Comment: PM2_supporting, PM3

GeneDx
Classification: Likely pathogenic. Last evaluated: 2023-07-24. Review status: criteria provided, single submitter. Criteria: GeneDx Variant Classification Process June 2021. Collection method: clinical testing. Allele origin: germline. Affected: yes.
Comment: Not observed at significant frequency in large population cohorts (gnomAD); In silico analysis supports that this missense variant has a deleterious effect on protein structure/function; This variant is associated with the following publications: (PMID: 22462672, 32376792)

Blueprint Genetics
Classification: Likely pathogenic for SH3TC2-related disorders. Last evaluated: 2022-12-07. Review status: criteria provided, single submitter. Criteria: ACMG Guidelines, 2015. Collection method: clinical testing. Allele origin: germline. Affected: yes. Observed: 5 variant alleles.

Ambry Genetics
Classification: Uncertain significance for Inborn genetic diseases. Last evaluated: 2021-12-21. Review status: criteria provided, single submitter. Criteria: Ambry Variant Classification Scheme 2023. Collection method: clinical testing. Allele origin: germline.
Comment: The p.R1171L variant (also known as c.3512G>T), located in coding exon 16 of the SH3TC2 gene, results from a G to T substitution at nucleotide position 3512. The arginine at codon 1171 is replaced by leucine, an amino acid with dissimilar properties. One patient was reported homozygous for the p.R1171L variant from a cohort of patients with neuropathy and no central nervous system involvement and reduced mean nerve conduction velocity, but detailed clinical information was not provided (Yger M et al. J. Peripher. Nerv. Syst., 2012 Mar;17:112-22). This amino acid position is highly conserved in available vertebrate species. In addition, this alteration is predicted to be deleterious by in silico analysis. Since supporting evidence is limited at this time, the clinical significance of this alteration remains unclear.

Molecular Genetics Laboratory, London Health Sciences Centre
Classification: Likely pathogenic for Charcot-Marie-Tooth disease. Review status: criteria provided, single submitter. Criteria: ACMG Guidelines, 2015. Collection method: clinical testing. Allele origin: germline. Affected: yes.

Genesis Genome Database
Classification: Uncertain significance for Charcot-Marie-Tooth disease. Last evaluated: 2019-08-14. Review status: no assertion criteria provided. Collection method: research. Allele origin: germline. Affected: yes. Not counted in ClinVar's aggregate classification.

Inherited Neuropathy Consortium
Classification: Uncertain significance for Charcot-Marie-Tooth disease. Review status: no assertion criteria provided. Collection method: literature only. Allele origin: germline. Affected: yes. Not counted in ClinVar's aggregate classification.

Literature cited by the submitters: PubMed 22462672 (cited by 4 submitters); PubMed 32376792 (cited by Labcorp Genetics (formerly Invitae), Labcorp and Mayo Clinic Laboratories, Mayo Clinic); PubMed 3000192 (cited by Labcorp Genetics (formerly Invitae), Labcorp); PubMed 23466821 (cited by Labcorp Genetics (formerly Invitae), Labcorp and Mayo Clinic Laboratories, Mayo Clinic); PubMed 25429913 (cited by Labcorp Genetics (formerly Invitae), Labcorp); PubMed 36947133 (cited by Mayo Clinic Laboratories, Mayo Clinic).

NM_024577.4(SH3TC2):c.3512G>T (p.Arg1171Leu)

Gene: SH3TC2 (SH3 domain and tetratricopeptide repeats 2; minus strand). Cytogenetic location: 5q32.
Variant type: single nucleotide variant.
Coding change: c.3512G>T on transcript NM_024577.4 (MANE Select); coding-DNA position 3512, G replaced by T.
Protein change: p.Arg1171Leu; replaces arginine 1171 with leucine.
Molecular consequence: missense variant.
Genome position (GRCh38, 1-based): chr5:149,007,044, C>A on the plus strand (G>T on the coding strand, the complement: SH3TC2 is on the minus strand). VCF-style: chr5-149007044-C-A. GRCh37 (hg19) VCF-style: chr5-148386607-C-A.
Other names: p.Arg1171Leu; short protein forms R1171L.
Identifiers: ClinVar variation 245766 (VCV000245766.21), dbSNP rs200728983, ClinGen allele CA3498695.